The following is an entry in ClinVar:

ClinVar aggregate classification (germline): Uncertain significance. Review status: criteria provided, multiple submitters, no conflicts (2 of 4 stars). 2 submissions from 2 submitters: Uncertain significance (2). Last evaluated 2026-06-06.

Conditions:
Progressive familial heart block type IB (PFHB1B). Identifiers: Orphanet 871, MedGen C1970298, MONDO:0011474, OMIM 604559.
Cardiovascular phenotype. Identifiers: MedGen CN230736.

gnomAD v4.1: 7 of 1,612,722 alleles (0.00043%); highest among the groups gnomAD compares: African/African-American, 0.0013%; no homozygotes.

Submissions (2):

Ambry Genetics
Classification: Uncertain significance for Cardiovascular phenotype. Last evaluated: 2026-06-06. Review status: criteria provided, single submitter. Criteria: Ambry Variant Classification Scheme 2023. Collection method: clinical testing. Allele origin: germline.
Comment: The p.R337S variant (also known as c.1009C>A), located in coding exon 8 of the TRPM4 gene, results from a C to A substitution at nucleotide position 1009. The arginine at codon 337 is replaced by serine, an amino acid with dissimilar properties. This amino acid position is conserved. In addition, this alteration is predicted to be tolerated by in silico analysis. Based on the available evidence, the clinical significance of this variant remains unclear.

Labcorp Genetics (formerly Invitae), Labcorp
Classification: Uncertain significance for Progressive familial heart block type IB. Last evaluated: 2025-09-16. Review status: criteria provided, single submitter. Criteria: Invitae Variant Classification Sherloc (09022015). Collection method: clinical testing. Allele origin: germline.
Comment: This sequence change replaces arginine, which is basic and polar, with serine, which is neutral and polar, at codon 337 of the TRPM4 protein (p.Arg337Ser). This variant is present in population databases (rs368950027, gnomAD 0.004%). This variant has not been reported in the literature in individuals affected with TRPM4-related conditions. An algorithm developed to predict the effect of missense changes on protein structure and function (PolyPhen-2) suggests that this variant is likely to be tolerated. In summary, the available evidence is currently insufficient to determine the role of this variant in disease. Therefore, it has been classified as a Variant of Uncertain Significance.

NM_017636.4(TRPM4):c.1009C>A (p.Arg337Ser)

Gene: TRPM4 (transient receptor potential cation channel subfamily M member 4; plus strand). Cytogenetic location: 19q13.33.
Variant type: single nucleotide variant.
Coding change: c.1009C>A on transcript NM_017636.4 (MANE Select); coding-DNA position 1009, C replaced by A.
Protein change: p.Arg337Ser; replaces arginine 337 with serine.
Molecular consequence: missense variant. On other transcripts: 5 prime UTR variant (1).
Genome position (GRCh38, 1-based): chr19:49,171,728, C>A. VCF-style: chr19-49171728-C-A. GRCh37 (hg19) VCF-style: chr19-49674985-C-A.
Other names: c.1009C>A (NM_017636.3); c.487C>A, p.Arg163Ser (NM_001321283.2); c.160C>A, p.Arg54Ser (NM_001321285.2); c.1009C>A, p.Arg337Ser (NM_001195227.2); c.664C>A, p.Arg222Ser (NM_001321281.2); c.-545C>A (NM_001321282.2); short protein forms R163S, R222S, R337S, R54S.
Identifiers: ClinVar variation 4797426 (VCV004797426.2).